The following is an entry in ClinVar:

ClinVar aggregate classification (germline): Uncertain significance. Review status: criteria provided, multiple submitters, no conflicts (2 of 4 stars). 2 submissions from 2 submitters: Uncertain significance (2). Last evaluated 2022-09-12.

Conditions:
Inborn genetic diseases. Identifiers: MedGen C0950123, MeSH D030342.

Allele frequency attached by ClinVar (database versions not stated): 1000 Genomes Project 30x 0.00016; ExAC 0.00019; 1000 Genomes Project 0.00020; ESP Exome Variant Server 0.00023; gnomAD exomes 0.00030; TOPMed 0.00031; gnomAD 0.00046 and 0.00048.
gnomAD v4.1: 689 of 1,612,808 alleles (0.043%); highest among the groups gnomAD compares: Non-Finnish European, 0.053%; 2 homozygotes.

Submissions (2):

Ambry Genetics
Classification: Uncertain significance for Inborn genetic diseases. Last evaluated: 2022-09-12. Review status: criteria provided, single submitter. Criteria: Ambry Variant Classification Scheme 2023. Collection method: clinical testing. Allele origin: germline.

Labcorp Genetics (formerly Invitae), Labcorp
Classification: Uncertain significance. Last evaluated: 2022-08-11. Review status: criteria provided, single submitter. Criteria: Invitae Variant Classification Sherloc (09022015). Collection method: clinical testing. Allele origin: germline.
Comment: This sequence change replaces proline, which is neutral and non-polar, with alanine, which is neutral and non-polar, at codon 1020 of the NNT protein (p.Pro1020Ala). This variant is present in population databases (rs147457922, gnomAD 0.07%). This variant has not been reported in the literature in individuals affected with NNT-related conditions. ClinVar contains an entry for this variant (Variation ID: 1383873). Algorithms developed to predict the effect of missense changes on protein structure and function are either unavailable or do not agree on the potential impact of this missense change (SIFT: "Tolerated"; PolyPhen-2: "Probably Damaging"; Align-GVGD: "Class C0"). In summary, the available evidence is currently insufficient to determine the role of this variant in disease. Therefore, it has been classified as a Variant of Uncertain Significance.

NM_182977.3(NNT):c.3058C>G (p.Pro1020Ala)

Gene: NNT (nicotinamide nucleotide transhydrogenase; plus strand). Cytogenetic location: 5p12.
Variant type: single nucleotide variant.
Coding change: c.3058C>G on transcript NM_182977.3 (MANE Select); coding-DNA position 3058, C replaced by G.
Protein change: p.Pro1020Ala; replaces proline 1020 with alanine.
Molecular consequence: missense variant.
Genome position (GRCh38, 1-based): chr5:43,702,683, C>G. VCF-style: chr5-43702683-C-G. GRCh37 (hg19) VCF-style: chr5-43702785-C-G.
Other names: c.2665C>G, p.Pro889Ala (NM_001331026.2); c.3058C>G, p.Pro1020Ala (NM_012343.4); c.3058C>G (NM_012343.3); short protein forms P889A, P1020A.
Identifiers: ClinVar variation 1383873 (VCV001383873.4), dbSNP rs147457922, ClinGen allele CA3258405.